The following is an entry in ClinVar:

ClinVar aggregate classification (germline): Uncertain significance (1 of 4 stars; one submission).

Submission:

Labcorp Genetics (formerly Invitae), Labcorp
Classification: Uncertain significance. Last evaluated: 2025-08-22. Review status: criteria provided, single submitter. Criteria: Invitae Variant Classification Sherloc (09022015). Collection method: clinical testing. Allele origin: germline.
Comment: This sequence change replaces aspartic acid, which is acidic and polar, with glutamic acid, which is acidic and polar, at codon 2415 of the ACAN protein (p.Asp2415Glu). This variant is not present in population databases (gnomAD no frequency). This variant has not been reported in the literature in individuals affected with ACAN-related conditions. An algorithm developed to predict the effect of missense changes on protein structure and function (PolyPhen-2) suggests that this variant is likely to be disruptive. In summary, the available evidence is currently insufficient to determine the role of this variant in disease. Therefore, it has been classified as a Variant of Uncertain Significance.

NM_001369268.1(ACAN):c.7359C>G (p.Asp2453Glu)

Gene: ACAN (aggrecan; plus strand). Cytogenetic location: 15q26.1.
Variant type: single nucleotide variant.
Coding change: c.7359C>G on transcript NM_001369268.1 (MANE Select); coding-DNA position 7359, C replaced by G.
Protein change: p.Asp2453Glu; replaces aspartic acid 2453 with glutamic acid.
Molecular consequence: missense variant.
Genome position (GRCh38, 1-based): chr15:88,872,937, C>G. VCF-style: chr15-88872937-C-G. GRCh37 (hg19) VCF-style: chr15-89416168-C-G.
Other names: c.7131C>G, p.Asp2377Glu (NM_001135.4, NM_001411096.1); c.7245C>G, p.Asp2415Glu (NM_001411097.1, NM_013227.4); short protein forms D2415E, D2453E, D2377E.
Identifiers: ClinVar variation 4725842 (VCV004725842.1).